The following is an entry in ClinVar:

NM_001375524.1(TRRAP):c.8961C>T (p.Ile2987=)

Gene: TRRAP (transformation/transcription domain associated protein; plus strand). Cytogenetic location: 7q22.1.
Variant type: single nucleotide variant.
Coding change: c.8961C>T on transcript NM_001375524.1 (MANE Select); coding-DNA position 8961, C replaced by T.
Protein change: p.Ile2987=; no amino-acid change (isoleucine 2987 retained).
Molecular consequence: synonymous variant.
Genome position (GRCh38, 1-based): chr7:98,983,398, C>T. VCF-style: chr7-98983398-C-T. GRCh37 (hg19) VCF-style: chr7-98581021-C-T.
Other names: c.8940C>T, p.Ile2980= (NM_001244580.2); c.8886C>T, p.Ile2962= (NM_003496.4).
Identifiers: ClinVar variation 2712837 (VCV002712837.17), dbSNP rs144881292, ClinGen allele CA4361586.

ClinVar aggregate classification (germline): Likely benign. Review status: criteria provided, multiple submitters, no conflicts (2 of 4 stars). 3 submissions from 3 submitters: Likely benign (3). Last evaluated 2026-06-01.

Allele frequency attached by ClinVar (database versions not stated): 1000 Genomes Project 30x 0.00016; ExAC 0.00016; ESP Exome Variant Server 0.00031; TOPMed 0.00036; gnomAD 0.00037; gnomAD exomes 0.00069.
gnomAD v4.1: 1,100 of 1,614,228 alleles (0.068%); highest among the groups gnomAD compares: Non-Finnish European, 0.085%; no homozygotes.

Submissions (3):

CeGaT Center for Human Genetics Tuebingen
Classification: Likely benign. Last evaluated: 2026-06-01. Review status: criteria provided, single submitter. Criteria: CeGaT Center For Human Genetics Tuebingen Variant Classification Criteria Version 2. Collection method: clinical testing. Allele origin: germline. Affected: yes. Observed: 2 variant alleles.
Comment: TRRAP: BP4, BP7

Labcorp Genetics (formerly Invitae), Labcorp
Classification: Likely benign. Last evaluated: 2025-11-25. Review status: criteria provided, single submitter. Criteria: Invitae Variant Classification Sherloc (09022015). Collection method: clinical testing. Allele origin: germline.

Blueprint Genetics
Classification: Likely benign. Last evaluated: 2024-11-14. Review status: criteria provided, single submitter. Criteria: ACMG Guidelines, 2015. Collection method: clinical testing. Allele origin: germline.